The following is an entry in ClinVar:

NM_133259.4(LRPPRC):c.406_407del (p.Glu136fs)

Gene: LRPPRC (leucine rich pentatricopeptide repeat containing; minus strand). Cytogenetic location: 2p21.
Variant type: Deletion.
Coding change: c.406_407del on transcript NM_133259.4 (MANE Select); coding-DNA positions 406 to 407, 2 bases deleted (GA; older notation c.406_407delGA).
Protein change: p.Glu136fs; shifts the reading frame from glutamic acid 136.
Molecular consequence: frameshift variant.
Genome position (GRCh38, 1-based): chr2:43,979,888-43,979,889, TC deleted on the plus strand (GA on the coding strand, the reverse complement: LRPPRC is on the minus strand). VCF-style (leftmost placement, unchanged base first): chr2-43979887-TTC-T. GRCh37 (hg19) VCF-style: chr2-44207026-TTC-T.
Other names: short protein forms E136fs.
Identifiers: ClinVar variation 1726796 (VCV001726796.2), dbSNP rs2466685590, ClinGen allele CA2580066507.
Genomic context (GRCh38, chr2:43,979,887, plus strand): 5'-TAATTTCTGAAGTGTGTCCCATATCCTATGAGCAAATTCTGTTCTCTCTTCAAGCTTTAG[TTC>T]AGGCAAGAGAGAACCACAACTACGTAGTAGAAGCAAGGCATGACTACCACCTAGGCCACC-3'

ClinVar aggregate classification (germline): Likely pathogenic (1 of 4 stars; one submission).

Conditions:
Congenital lactic acidosis, Saguenay-Lac-Saint-Jean type (MC4DN5). Also called: CYTOCHROME c OXIDASE DEFICIENCY, FRENCH CANADIAN TYPE; COX DEFICIENCY, FRENCH CANADIAN TYPE; MITOCHONDRIAL COMPLEX IV DEFICIENCY, NUCLEAR TYPE 5. Identifiers: Orphanet 70472, MedGen C1857355, MONDO:0009069, OMIM 220111.

Submission:

Myriad Genetics, Inc.
Classification: Likely pathogenic for Congenital lactic acidosis, Saguenay-Lac-Saint-Jean type. Last evaluated: 2022-01-02. Review status: criteria provided, single submitter. Criteria: Myriad Women's Health Autosomal Recessive and X-Linked Classification Criteria (2021). Collection method: clinical testing. Allele origin: unknown.
Comment: NM_133259.3(LRPPRC):c.406_407delGA(E136Tfs*4) is expected to be pathogenic in the context of Leigh syndrome, French-Canadian type. This variant is predicted to lead to an abnormal or absent protein product due to the creation of a premature termination codon in LRPPRC, a gene where loss-of-function variants are known to be pathogenic. Please note: this variant was assessed in the context of healthy population screening.